The following is an entry in ClinVar:

NM_006950.3(SYN1):c.1216A>G (p.Ile406Val)

Gene: SYN1 (synapsin I; minus strand). Cytogenetic location: Xp11.3.
Variant type: single nucleotide variant.
Coding change: c.1216A>G on transcript NM_006950.3 (MANE Select); coding-DNA position 1216, A replaced by G.
Protein change: p.Ile406Val; replaces isoleucine 406 with valine.
Molecular consequence: missense variant.
Genome position (GRCh38, 1-based): chrX:47,575,217, T>C on the plus strand (A>G on the coding strand, the complement: SYN1 is on the minus strand). VCF-style: chrX-47575217-T-C. GRCh37 (hg19) VCF-style: chrX-47434616-T-C.
Other names: c.1216A>G, p.Ile406Val (NM_133499.2); short protein forms I406V.
Identifiers: ClinVar variation 1307677 (VCV001307677.2), dbSNP rs2147912710, ClinGen allele CA412825719.

ClinVar aggregate classification (germline): Uncertain significance (1 of 4 stars; one submission).

Submission:

GeneDx
Classification: Uncertain significance. Last evaluated: 2020-05-27. Review status: criteria provided, single submitter. Criteria: GeneDx Variant Classification Process June 2021. Collection method: clinical testing. Allele origin: germline. Affected: yes.
Comment: Not observed in large population cohorts (Lek et al., 2016); In silico analysis supports that this missense variant does not alter protein structure/function; Has not been previously published as pathogenic or benign to our knowledge